The following is an entry in ClinVar:

NM_001005498.4(RHBDF2):c.613C>T (p.Arg205Cys)

Gene: RHBDF2 (rhomboid 5 homolog 2; minus strand). Cytogenetic location: 17q25.1.
Variant type: single nucleotide variant.
Coding change: c.613C>T on transcript NM_001005498.4 (MANE Select); coding-DNA position 613, C replaced by T.
Protein change: p.Arg205Cys; replaces arginine 205 with cysteine.
Molecular consequence: missense variant. On other transcripts: non-coding transcript variant (3).
Genome position (GRCh38, 1-based): chr17:76,478,865, G>A on the plus strand (C>T on the coding strand, the complement: RHBDF2 is on the minus strand). VCF-style: chr17-76478865-G-A. GRCh37 (hg19) VCF-style: chr17-74474947-G-A.
Other names: c.613C>T, p.Arg205Cys (NM_001376228.1, NM_001376229.1, NM_001376230.1); c.700C>T, p.Arg234Cys (NM_024599.5); short protein forms R234C, R205C.
Identifiers: ClinVar variation 325453 (VCV000325453.11), dbSNP rs138968491, ClinGen allele CA8787301.

ClinVar aggregate classification (germline): Conflicting classifications of pathogenicity. Review status: criteria provided, conflicting classifications (1 of 4 stars). 5 submissions from 5 submitters: Uncertain significance (1); Benign (2); Likely benign (1). 1 of the submissions does not count toward it. Last evaluated 2025-09-24.

Conditions:
RHBDF2-related disorder. Also called: RHBDF2-related condition.
Inborn genetic diseases. Identifiers: MedGen C0950123, MeSH D030342.
Palmoplantar keratoderma-esophageal carcinoma syndrome (TOC). Also called: Tylosis with Esophageal Cancer; PALMOPLANTAR KERATODERMA WITH ESOPHAGEAL CANCER; KERATOSIS PALMARIS ET PLANTARIS WITH ESOPHAGEAL CANCER. Identifiers: Orphanet 2198, MedGen C1835664, MONDO:0007856, OMIM 148500.

Allele frequency attached by ClinVar (database versions not stated): TOPMed 0.00023; gnomAD 0.00024 and 0.00032; gnomAD exomes 0.00027 and 0.00054; ESP Exome Variant Server 0.00031; ExAC 0.00070.
gnomAD v4.1: 446 of 1,613,650 alleles (0.028%); highest among the groups gnomAD compares: South Asian, 0.37%; 5 homozygotes.

Submissions (5):

Labcorp Genetics (formerly Invitae), Labcorp
Classification: Benign. Last evaluated: 2025-09-24. Review status: criteria provided, single submitter. Criteria: Invitae Variant Classification Sherloc (09022015). Collection method: clinical testing. Allele origin: germline.

Ambry Genetics
Classification: Uncertain significance for Inborn genetic diseases. Last evaluated: 2023-10-27. Review status: criteria provided, single submitter. Criteria: Ambry Variant Classification Scheme 2023. Collection method: clinical testing. Allele origin: germline.

KCCC/NGS Laboratory, Kuwait Cancer Control Center
Classification: Likely benign for Palmoplantar keratoderma-esophageal carcinoma syndrome. Last evaluated: 2023-07-07. Review status: criteria provided, single submitter. Criteria: ACMG Guidelines, 2015. Collection method: clinical testing. Allele origin: germline. Affected: yes.

Illumina Laboratory Services, Illumina
Classification: Benign for Palmoplantar keratoderma-esophageal carcinoma syndrome. Last evaluated: 2018-01-13. Review status: criteria provided, single submitter. Criteria: ICSL Variant Classification Criteria 13 December 2019. Collection method: clinical testing. Allele origin: germline.
Comment: This variant was observed in the ICSL laboratory as part of a predisposition screen in an ostensibly healthy population. It had not been previously curated by ICSL or reported in the Human Gene Mutation Database (HGMD: prior to June 1st, 2018), and was therefore a candidate for classification through an automated scoring system. Utilizing variant allele frequency, disease prevalence and penetrance estimates, and inheritance mode, an automated score was calculated to assess if this variant is too frequent to cause the disease. Based on the score and internal cut-off values, a variant classified as benign is not then subjected to further curation. The score for this variant resulted in a classification of benign for this disease.

PreventionGenetics, part of Exact Sciences
Classification: Likely benign for RHBDF2-related condition. Last evaluated: 2022-12-22. Review status: no assertion criteria provided. Collection method: clinical testing. Allele origin: germline. Not counted in ClinVar's aggregate classification.
Comment: This variant is classified as likely benign based on ACMG/AMP sequence variant interpretation guidelines (Richards et al. 2015 PMID: 25741868, with internal and published modifications).